The following is an entry in ClinVar:

ClinVar aggregate classification (germline): Uncertain significance (1 of 4 stars; one submission).

gnomAD v4.1: 13 of 1,551,342 alleles (0.00084%); highest among the groups gnomAD compares: East Asian, 0.0024%; no homozygotes.

Submission:

Labcorp Genetics (formerly Invitae), Labcorp
Classification: Uncertain significance. Last evaluated: 2022-05-13. Review status: criteria provided, single submitter. Criteria: Invitae Variant Classification Sherloc (09022015). Collection method: clinical testing. Allele origin: germline.
Comment: This sequence change replaces isoleucine, which is neutral and non-polar, with valine, which is neutral and non-polar, at codon 2977 of the UNC80 protein (p.Ile2977Val). This variant is not present in population databases (gnomAD no frequency). This variant has not been reported in the literature in individuals affected with UNC80-related conditions. Algorithms developed to predict the effect of missense changes on protein structure and function output the following: SIFT: "Not Available"; PolyPhen-2: "Benign"; Align-GVGD: "Not Available". The valine amino acid residue is found in multiple mammalian species, which suggests that this missense change does not adversely affect protein function. In summary, the available evidence is currently insufficient to determine the role of this variant in disease. Therefore, it has been classified as a Variant of Uncertain Significance.

NM_001371986.1(UNC80):c.9127A>G (p.Ile3043Val)

Gene: UNC80 (unc-80 homolog, NALCN channel complex subunit; plus strand). Cytogenetic location: 2q34.
Variant type: single nucleotide variant.
Coding change: c.9127A>G on transcript NM_001371986.1 (MANE Select); coding-DNA position 9127, A replaced by G.
Protein change: p.Ile3043Val; replaces isoleucine 3043 with valine.
Molecular consequence: missense variant.
Genome position (GRCh38, 1-based): chr2:209,982,187, A>G. VCF-style: chr2-209982187-A-G. GRCh37 (hg19) VCF-style: chr2-210846911-A-G.
Other names: c.8929A>G, p.Ile2977Val (NM_032504.2); c.8914A>G, p.Ile2972Val (NM_182587.4); short protein forms I2972V, I3043V, I2977V.
Identifiers: ClinVar variation 1942305 (VCV001942305.2), dbSNP rs891223670, ClinGen allele CA64660442.